The following is an entry in ClinVar:

ClinVar aggregate classification (germline): Uncertain significance (1 of 4 stars; one submission).

gnomAD v4.1: 10 of 1,614,054 alleles (0.00062%); highest among the groups gnomAD compares: Middle Eastern, 0.016%; no homozygotes.

Submission:

Labcorp Genetics (formerly Invitae), Labcorp
Classification: Uncertain significance. Last evaluated: 2024-02-27. Review status: criteria provided, single submitter. Criteria: Invitae Variant Classification Sherloc (09022015). Collection method: clinical testing. Allele origin: germline.
Comment: This sequence change replaces threonine, which is neutral and polar, with isoleucine, which is neutral and non-polar, at codon 1454 of the ADCY10 protein (p.Thr1454Ile). This variant is present in population databases (no rsID available, gnomAD 0.003%). This variant has not been reported in the literature in individuals affected with ADCY10-related conditions. An algorithm developed to predict the effect of missense changes on protein structure and function (PolyPhen-2) suggests that this variant is likely to be disruptive. In summary, the available evidence is currently insufficient to determine the role of this variant in disease. Therefore, it has been classified as a Variant of Uncertain Significance.

NM_018417.6(ADCY10):c.4361C>T (p.Thr1454Ile)

Gene: ADCY10 (adenylate cyclase 10; minus strand). Cytogenetic location: 1q24.2.
Variant type: single nucleotide variant.
Coding change: c.4361C>T on transcript NM_018417.6 (MANE Select); coding-DNA position 4361, C replaced by T.
Protein change: p.Thr1454Ile; replaces threonine 1454 with isoleucine.
Molecular consequence: missense variant.
Genome position (GRCh38, 1-based): chr1:167,818,193, G>A on the plus strand (C>T on the coding strand, the complement: ADCY10 is on the minus strand). VCF-style: chr1-167818193-G-A. GRCh37 (hg19) VCF-style: chr1-167787431-G-A.
Other names: c.3902C>T, p.Thr1301Ile (NM_001167749.3); c.4085C>T, p.Thr1362Ile (NM_001297772.2); short protein forms T1301I, T1362I, T1454I.
Identifiers: ClinVar variation 3623506 (VCV003623506.2).